The following is an entry in ClinVar:

ClinVar aggregate classification (germline): Uncertain significance (1 of 4 stars; one submission).

Submission:

GeneDx
Classification: Uncertain significance. Last evaluated: 2025-07-12. Review status: criteria provided, single submitter. Criteria: GeneDx Variant Classification Process June 2021. Collection method: clinical testing. Allele origin: germline. Affected: yes.
Comment: Not observed at significant frequency in large population cohorts (gnomAD); In silico analysis supports that this missense variant has a deleterious effect on protein structure/function; Has not been previously published as pathogenic or benign to our knowledge

NM_006946.4(SPTBN2):c.1259A>C (p.Gln420Pro)

Gene: SPTBN2 (spectrin beta, non-erythrocytic 2; minus strand). Cytogenetic location: 11q13.2.
Variant type: single nucleotide variant.
Coding change: c.1259A>C on transcript NM_006946.4 (MANE Select); coding-DNA position 1259, A replaced by C.
Protein change: p.Gln420Pro; replaces glutamine 420 with proline.
Molecular consequence: missense variant.
Genome position (GRCh38, 1-based): chr11:66,708,232, T>G on the plus strand (A>C on the coding strand, the complement: SPTBN2 is on the minus strand). VCF-style: chr11-66708232-T-G. GRCh37 (hg19) VCF-style: chr11-66475703-T-G.
Other names: c.1280A>C, p.Gln427Pro (NM_001411025.1); c.1259A>C, p.Gln420Pro (NM_001437541.1); short protein forms Q420P, Q427P.
Identifiers: ClinVar variation 4685014 (VCV004685014.1).
Genomic context (GRCh38, chr11:66,708,232, plus strand): 5'-CAGGTCTCCCGCATGGCAGCCTTGCGGTCGAAGCGGGCGGCCAGCTGCTCCAGCTTCTCC[T>G]GGCGGATGAGCTCGGTGCGCAGGGCCAGCTCACGCTCGTGCTCCGCCTTCTCCAGCCGCT-3'
Protein context (NP_008877.2, residues 410-430): ELALRTELIR[Gln420Pro]EKLEQLAARF